The following is an entry in ClinVar:

NM_007294.4(BRCA1):c.4903G>C (p.Glu1635Gln)

Gene: BRCA1 (BRCA1 DNA repair associated; minus strand). Cytogenetic location: 17q21.31.
Variant type: single nucleotide variant.
Coding change: c.4903G>C on transcript NM_007294.4 (MANE Select); coding-DNA position 4903, G replaced by C.
Protein change: p.Glu1635Gln; replaces glutamic acid 1635 with glutamine.
Molecular consequence: missense variant. On other transcripts: non-coding transcript variant (1).
Genome position (GRCh38, 1-based): chr17:43,071,011, C>G on the plus strand (G>C on the coding strand, the complement: BRCA1 is on the minus strand). VCF-style: chr17-43071011-C-G. GRCh37 (hg19) VCF-style: chr17-41223028-C-G.
Other names: c.4690G>C, p.Glu1564Gln (NM_001407571.1, NM_001407906.1, NM_001407907.1 and 12 more transcripts); c.4969G>C, p.Glu1657Gln (NM_001407581.1, NM_001407582.1); c.4966G>C, p.Glu1656Gln (NM_001407583.1, NM_001407585.1, NM_001407587.1 and 1 more transcripts); c.4963G>C, p.Glu1655Gln (NM_001407590.1, NM_001407591.1); c.4903G>C, p.Glu1635Gln (NM_001407593.1, NM_001407594.1, NM_001407596.1 and 8 more transcripts); c.4900G>C, p.Glu1634Gln (NM_001407613.1, NM_001407614.1, NM_001407615.1 and 17 more transcripts); c.4897G>C, p.Glu1633Gln (NM_001407632.1, NM_001407633.1, NM_001407634.1 and 14 more transcripts); c.4825G>C, p.Glu1609Gln (NM_001407654.1, NM_001407655.1, NM_001407653.1); and 70 more; short protein forms E1635Q, E1588Q, E1656Q, E531Q, E1338Q, E1506Q, E1507Q, E1524Q.
Identifiers: ClinVar variation 570792 (VCV000570792.13), dbSNP rs200432771, ClinGen allele CA10591719.

ClinVar aggregate classification (germline): Conflicting classifications of pathogenicity. Review status: criteria provided, conflicting classifications (1 of 4 stars). 2 submissions from 2 submitters: Uncertain significance (1); Likely benign (1). Last evaluated 2025-06-24.

Conditions:
Hereditary cancer-predisposing syndrome. Also called: Tumor predisposition; Neoplastic Syndromes, Hereditary; Hereditary Cancer Syndrome; Hereditary neoplastic syndrome. Identifiers: Orphanet 140162, MedGen C0027672, MeSH D009386, MONDO:0015356.
Hereditary breast ovarian cancer syndrome. Also called: Hereditary breast and ovarian cancer; Hereditary breast and ovarian cancer syndrome; Hereditary breast and ovarian cancer syndrome (HBOC); Breast and ovarian cancer; BRCA1- and BRCA2-Associated Hereditary Breast and Ovarian Cancer; Hereditary breast and/or ovarian cancer syndrome. Identifiers: Orphanet 145, MedGen C0677776, MeSH D061325, MONDO:0003582. Disease mechanism: loss of function.

Submissions (3):

Ambry Genetics
Classification: Likely benign for Hereditary cancer-predisposing syndrome. Last evaluated: 2025-06-24. Review status: criteria provided, single submitter. Criteria: Ambry Variant Classification Scheme 2023. Collection method: clinical testing. Allele origin: germline.

Labcorp Genetics (formerly Invitae), Labcorp
Classification: Uncertain significance for Hereditary breast ovarian cancer syndrome. Last evaluated: 2024-03-12. Review status: criteria provided, single submitter. Criteria: Invitae Variant Classification Sherloc (09022015). Collection method: clinical testing. Allele origin: germline.
Comment: This sequence change replaces glutamic acid, which is acidic and polar, with glutamine, which is neutral and polar, at codon 1635 of the BRCA1 protein (p.Glu1635Gln). This variant is not present in population databases (gnomAD no frequency). This variant has not been reported in the literature in individuals affected with BRCA1-related conditions. ClinVar contains an entry for this variant (Variation ID: 570792). Advanced modeling performed at Invitae incorporating data from internal and/or published experimental studies (PMID: 30209399) indicates that this missense variant is not expected to disrupt BRCA1 function with a negative predictive value of 95%. Experimental studies have shown that this missense change does not substantially affect BRCA1 function (PMID: 30209399). In summary, the available evidence is currently insufficient to determine the role of this variant in disease. Therefore, it has been classified as a Variant of Uncertain Significance.

Brotman Baty Institute, University of Washington
No classification provided (evidence only). Condition: Breast-ovarian cancer, familial 1. Review status: no classification provided. Collection method: in vitro. Allele origin: not applicable. Functional consequence: functionally_normal. Not counted in ClinVar's aggregate classification.
ClinVar note: "not provided" was previously submitted as the classification for the variant. However, the classification appeared to be based only on an observation of functional data so it was converted to no classification on 2025-07-30.

Literature cited by the submitters: PubMed 30209399 (cited by Ambry Genetics and Labcorp Genetics (formerly Invitae), Labcorp).